The following is an entry in ClinVar:

ClinVar aggregate classification (germline): Conflicting classifications of pathogenicity. Review status: criteria provided, conflicting classifications (1 of 4 stars). 4 submissions from 4 submitters: Uncertain significance (3); Likely benign (1). Last evaluated 2025-10-22.

Conditions:
Inborn genetic diseases. Identifiers: MedGen C0950123, MeSH D030342.

Allele frequency attached by ClinVar (database versions not stated): gnomAD 0.00019 and 0.00021; gnomAD exomes 0.00019 and 0.00027; ESP Exome Variant Server 0.00023; ExAC 0.00039; TOPMed 0.00015.
gnomAD v4.1: 317 of 1,591,526 alleles (0.02%); highest among the groups gnomAD compares: Non-Finnish European, 0.02%; no homozygotes.

Submissions (4):

Labcorp Genetics (formerly Invitae), Labcorp
Classification: Uncertain significance. Last evaluated: 2025-10-22. Review status: criteria provided, single submitter. Criteria: Invitae Variant Classification Sherloc (09022015). Collection method: clinical testing. Allele origin: germline.
Comment: This sequence change replaces glycine, which is neutral and non-polar, with glutamic acid, which is acidic and polar, at codon 2166 of the DMXL2 protein (p.Gly2166Glu). This variant is present in population databases (rs149842282, gnomAD 0.07%). This variant has not been reported in the literature in individuals affected with DMXL2-related conditions. ClinVar contains an entry for this variant (Variation ID: 1437254). An algorithm developed to predict the effect of missense changes on protein structure and function (PolyPhen-2) suggests that this variant is likely to be disruptive. In summary, the available evidence is currently insufficient to determine the role of this variant in disease. Therefore, it has been classified as a Variant of Uncertain Significance.

Ambry Genetics
Classification: Uncertain significance for Inborn genetic diseases. Last evaluated: 2025-10-21. Review status: criteria provided, single submitter. Criteria: Ambry Variant Classification Scheme 2023. Collection method: clinical testing. Allele origin: germline.

CeGaT Center for Human Genetics Tuebingen
Classification: Likely benign. Last evaluated: 2025-03-01. Review status: criteria provided, single submitter. Criteria: CeGaT Center For Human Genetics Tuebingen Variant Classification Criteria Version 2. Collection method: clinical testing. Allele origin: germline. Affected: yes. Observed: 3 variant alleles.
Comment: DMXL2: PP3, BS2

Blueprint Genetics
Classification: Uncertain significance. Last evaluated: 2024-10-09. Review status: criteria provided, single submitter. Criteria: ACMG Guidelines, 2015. Collection method: clinical testing. Allele origin: germline.

NM_001378457.1(DMXL2):c.6497G>A (p.Gly2166Glu)

Gene: DMXL2 (Dmx like 2; minus strand). Cytogenetic location: 15q21.2.
Variant type: single nucleotide variant.
Coding change: c.6497G>A on transcript NM_001378457.1 (MANE Select); coding-DNA position 6497, G replaced by A.
Protein change: p.Gly2166Glu; replaces glycine 2166 with glutamic acid.
Molecular consequence: missense variant. On other transcripts: non-coding transcript variant (2).
Genome position (GRCh38, 1-based): chr15:51,480,609, C>T on the plus strand (G>A on the coding strand, the complement: DMXL2 is on the minus strand). VCF-style: chr15-51480609-C-T. GRCh37 (hg19) VCF-style: chr15-51772806-C-T.
Other names: c.6497G>A, p.Gly2166Glu (NM_001174116.3, NM_001378458.1, NM_001378459.1 and 4 more transcripts); c.4589G>A, p.Gly1530Glu (NM_001174117.3); c.4478G>A, p.Gly1493Glu (NM_001378460.1); c.6257G>A, p.Gly2086Glu (NM_001378464.1); c.6497G>A (NM_001174116.1); short protein forms G1530E, G2166E, G1493E, G2086E.
Identifiers: ClinVar variation 1437254 (VCV001437254.35), dbSNP rs149842282, ClinGen allele CA7561621.
Genomic context (GRCh38, chr15:51,480,609, plus strand): 5'-GATTCTTGTAGCAAAAATTTGAGTTCCATCCTTACTGAAGCCAAACCACCACCTTGGGCC[C>T]CATGAAGGCTACAGTAGCTGAGAAATACTCTCAGGAGATCTTGGTTTTTCTGCAACCACG-3'
Protein context (NP_001365386.1, residues 2156-2176): RVFLSYCSLH[Gly2166Glu]AQGGGLASVR